The following is an entry in ClinVar:

NM_000264.5(PTCH1):c.801G>A (p.Glu267=)

Gene: PTCH1 (patched 1; minus strand). Cytogenetic location: 9q22.32.
Variant type: single nucleotide variant.
Coding change: c.801G>A on transcript NM_000264.5 (MANE Select); coding-DNA position 801, G replaced by A.
Protein change: p.Glu267=; no amino-acid change (glutamic acid 267 retained).
Molecular consequence: synonymous variant. On other transcripts: non-coding transcript variant (1).
Genome position (GRCh38, 1-based): chr9:95,480,534, C>T on the plus strand (G>A on the coding strand, the complement: PTCH1 is on the minus strand). VCF-style: chr9-95480534-C-T. GRCh37 (hg19) VCF-style: chr9-98242816-C-T.
Other names: c.603G>A, p.Glu201= (NM_001083602.3); c.798G>A, p.Glu266= (NM_001083603.3); c.348G>A, p.Glu116= (NM_001083604.3, NM_001083605.3, NM_001083606.3 and 1 more transcripts); c.801G>A, p.Glu267= (NM_001354918.2).
Identifiers: ClinVar variation 135907 (VCV000135907.27), dbSNP rs374155092, ClinGen allele CA332600.

ClinVar aggregate classification (germline): Conflicting classifications of pathogenicity. Review status: criteria provided, conflicting classifications (1 of 4 stars). 9 submissions from 8 submitters: Uncertain significance (2); Benign (1); Likely benign (5). 1 of the submissions does not count toward it. Last evaluated 2026-01-26.

Conditions:
Hereditary cancer-predisposing syndrome. Also called: Tumor predisposition; Hereditary neoplastic syndrome; Neoplastic Syndromes, Hereditary; Hereditary Cancer Syndrome. Identifiers: Orphanet 140162, MedGen C0027672, MeSH D009386, MONDO:0015356.
Holoprosencephaly 7 (HPE7). Identifiers: Orphanet 2162, MedGen C1835820, MONDO:0012562, OMIM 610828.
Gorlin syndrome. Also called: Nevoid Basal Cell Carcinoma Syndrome; Basal cell nevus syndrome. Identifiers: Orphanet 377, MedGen C0004779, MONDO:0007187.
PTCH1-related disorder. Also called: PTCH1-related disorders; PTCH1-related condition.

Allele frequency attached by ClinVar (database versions not stated): TOPMed 0.00004; ExAC 0.00005; gnomAD exomes 0.00005 and 0.00008; gnomAD 0.00007 and 0.00008; ESP Exome Variant Server 0.00008.

Submissions (9):

Labcorp Genetics (formerly Invitae), Labcorp
Classification: Benign for Gorlin syndrome. Last evaluated: 2026-01-26. Review status: criteria provided, single submitter. Criteria: Invitae Variant Classification Sherloc (09022015). Collection method: clinical testing. Allele origin: germline.

Center for Genomic Medicine, Rigshospitalet, Copenhagen University Hospital
Classification: Likely benign. Last evaluated: 2025-12-29. Review status: criteria provided, single submitter. Criteria: ACMG Guidelines, 2015. Collection method: clinical testing. Allele origin: germline.

Blueprint Genetics
Classification: Likely benign. Last evaluated: 2024-11-27. Review status: criteria provided, single submitter. Criteria: ACMG Guidelines, 2015. Collection method: clinical testing. Allele origin: germline.

Sema4
Classification: Likely benign for Hereditary cancer-predisposing syndrome. Last evaluated: 2020-12-07. Review status: criteria provided, single submitter. Criteria: Sema4 Curation Guidelines. Collection method: curation. Allele origin: germline.

GeneDx
Classification: Likely benign. Last evaluated: 2020-07-08. Review status: criteria provided, single submitter. Criteria: GeneDx Variant Classification Process June 2021. Collection method: clinical testing. Allele origin: germline. Affected: yes.

Illumina Laboratory Services, Illumina
Classification: Uncertain significance for Holoprosencephaly 7. Last evaluated: 2018-01-13. Review status: criteria provided, single submitter. Criteria: ICSL Variant Classification Criteria 13 December 2019. Collection method: clinical testing. Allele origin: germline.

Illumina Laboratory Services, Illumina
Classification: Uncertain significance for Basal cell nevus syndrome 1. Last evaluated: 2018-01-13. Review status: criteria provided, single submitter. Criteria: ICSL Variant Classification Criteria 13 December 2019. Collection method: clinical testing. Allele origin: germline.

Ambry Genetics
Classification: Likely benign for Hereditary cancer-predisposing syndrome. Last evaluated: 2017-08-17. Review status: criteria provided, single submitter. Criteria: Ambry Variant Classification Scheme 2023. Collection method: clinical testing. Allele origin: germline.

PreventionGenetics, part of Exact Sciences
Classification: Likely benign for PTCH1-related condition. Last evaluated: 2022-09-20. Review status: no assertion criteria provided. Collection method: clinical testing. Allele origin: germline. Not counted in ClinVar's aggregate classification.
Comment: This variant is classified as likely benign based on ACMG/AMP sequence variant interpretation guidelines (Richards et al. 2015 PMID: 25741868, with internal and published modifications).